The following is an entry in ClinVar:

NM_000138.5(FBN1):c.5156G>T (p.Cys1719Phe)

Gene: FBN1 (fibrillin 1; minus strand). Cytogenetic location: 15q21.1.
Variant type: single nucleotide variant.
Coding change: c.5156G>T on transcript NM_000138.5 (MANE Select); coding-DNA position 5156, G replaced by T.
Protein change: p.Cys1719Phe; replaces cysteine 1719 with phenylalanine.
Molecular consequence: missense variant.
Genome position (GRCh38, 1-based): chr15:48,463,150, C>A on the plus strand (G>T on the coding strand, the complement: FBN1 is on the minus strand). VCF-style: chr15-48463150-C-A. GRCh37 (hg19) VCF-style: chr15-48755347-C-A.
Other names: c.5156G>T, p.Cys1719Phe (NM_001406716.1); short protein forms C1719F.
Identifiers: ClinVar variation 4789649 (VCV004789649.1).

ClinVar aggregate classification (germline): Pathogenic (1 of 4 stars; one submission).

Conditions:
Marfan syndrome (MFS). Also called: FBN1-Related Marfan Syndrome; MARFAN SYNDROME, TYPE I; Marfan syndrome type 1; Marfan's syndrome; Marfan syndrome, classic. Identifiers: Orphanet 284963, Orphanet 558, MedGen C0024796, MONDO:0007947, OMIM 154700.
Familial thoracic aortic aneurysm and aortic dissection (TAAD). Also called: Thoracic aortic aneurysms and dissections. Identifiers: Orphanet 91387, MedGen C4707243, MONDO:0019625.

Submission:

Labcorp Genetics (formerly Invitae), Labcorp
Classification: Pathogenic for Marfan syndrome; Familial thoracic aortic aneurysm and aortic dissection. Last evaluated: 2025-10-14. Review status: criteria provided, single submitter. Criteria: Invitae Variant Classification Sherloc (09022015). Collection method: clinical testing. Allele origin: germline.
Comment: This sequence change replaces cysteine, which is neutral and slightly polar, with phenylalanine, which is neutral and non-polar, at codon 1719 of the FBN1 protein (p.Cys1719Phe). This variant is not present in population databases (gnomAD no frequency). This missense change has been observed in individual(s) with acromicric dysplasia and/or clinical features of Marfan syndrome (PMID: 19161152, 38448013). In at least one individual the variant was observed to be de novo. Invitae Evidence Modeling of protein sequence and biophysical properties (such as structural, functional, and spatial information, amino acid conservation, physicochemical variation, residue mobility, and thermodynamic stability) indicates that this missense variant is expected to disrupt FBN1 protein function with a positive predictive value of 95%. This variant affects a cysteine residue in the EGF-like, TGFBP or hybrid motif domains of FBN1. Cysteine residues are believed to be involved in intramolecular disulfide bridges and have been shown to be important for FBN1 protein structure (PMID: 16905551, 19349279). In addition, missense substitutions affecting cysteine residues within these domains are significantly overrepresented among patients with Marfan syndrome (PMID: 16571647, 17701892). This variant disrupts the p.Cys1719 amino acid residue in FBN1. Other variant(s) that disrupt this residue have been observed in individuals with FBN1-related conditions (PMID: 19293843), which suggests that this may be a clinically significant amino acid residue. For these reasons, this variant has been classified as Pathogenic.

Literature cited by the submitters: PubMed 19161152; PubMed 38448013; PubMed 16905551; PubMed 19349279; PubMed 16571647; PubMed 17701892; PubMed 19293843.